The following is an entry in ClinVar:

ClinVar aggregate classification (germline): Uncertain significance (1 of 4 stars; one submission).

Conditions:
Congenital myasthenic syndrome 10. Also called: Myasthenia, limb-girdle, familial. Identifiers: Orphanet 590, MedGen C1850792, MONDO:0009690, OMIM 254300.
Fetal akinesia deformation sequence 1 (FADS1). Also called: Fetal akinesia sequence; Pena-Shokeir syndrome type I. Identifiers: Orphanet 994, MedGen C1276035, MONDO:0100101, OMIM 208150, HP:0001989.

Submission:

Labcorp Genetics (formerly Invitae), Labcorp
Classification: Uncertain significance for Congenital myasthenic syndrome 10; Fetal akinesia deformation sequence 1. Last evaluated: 2022-08-08. Review status: criteria provided, single submitter. Criteria: Invitae Variant Classification Sherloc (09022015). Collection method: clinical testing. Allele origin: germline.
Comment: In summary, the available evidence is currently insufficient to determine the role of this variant in disease. Therefore, it has been classified as a Variant of Uncertain Significance. Algorithms developed to predict the effect of missense changes on protein structure and function are either unavailable or do not agree on the potential impact of this missense change (SIFT: "Tolerated"; PolyPhen-2: "Probably Damaging"; Align-GVGD: "Class C0"). This variant has not been reported in the literature in individuals affected with DOK7-related conditions. This variant is not present in population databases (gnomAD no frequency). This sequence change replaces valine, which is neutral and non-polar, with leucine, which is neutral and non-polar, at codon 163 of the DOK7 protein (p.Val163Leu).

NM_173660.5(DOK7):c.487G>C (p.Val163Leu)

Gene: DOK7 (docking protein 7; plus strand). Cytogenetic location: 4p16.3.
Variant type: single nucleotide variant.
Coding change: c.487G>C on transcript NM_173660.5 (MANE Select); coding-DNA position 487, G replaced by C.
Protein change: p.Val163Leu; replaces valine 163 with leucine.
Molecular consequence: missense variant. On other transcripts: intron variant (1).
Genome position (GRCh38, 1-based): chr4:3,476,497, G>C. VCF-style: chr4-3476497-G-C. GRCh37 (hg19) VCF-style: chr4-3478224-G-C.
Other names: c.487G>C, p.Val163Leu (NM_001164673.2, NM_001301071.2); c.101-9042G>C (NM_001363811.2); short protein forms V163L.
Identifiers: ClinVar variation 2125426 (VCV002125426.2), dbSNP rs746946329, ClinGen allele CA356114426.